The following is an entry in ClinVar:

NM_000218.3(KCNQ1):c.1514+988_1514+989insTTCTCTGG

Genes: KCNQ1 (potassium voltage-gated channel subfamily Q member 1; plus strand), KCNQ1OT1 (KCNQ1 opposite strand/antisense transcript 1; minus strand). Cytogenetic location: 11p15.5.
Variant type: Insertion.
Coding change: c.1514+988_1514+989insTTCTCTGG on transcript NM_000218.3 (MANE Select); bases 988 to 989 of the intron after coding-DNA position 1514, TTCTCTGG inserted.
Molecular consequence: intron variant. On other transcripts: non-coding transcript variant (1).
Genome position: GRCh38 VCF-style: chr11-2663066-T-TTGGTTCTC. GRCh37 (hg19) VCF-style: chr11-2684296-T-TTGGTTCTC.
Other names: c.1244+988_1244+989insTTCTCTGG (NM_001406837.1); c.1418+988_1418+989insTTCTCTGG (NM_001406836.1); c.974+988_974+989insTTCTCTGG (NM_001406838.1); c.1133+988_1133+989insTTCTCTGG (NM_181798.2).
Identifiers: ClinVar variation 2641452 (VCV002641452.24), dbSNP rs1232808553, ClinGen allele CA472245034.
Genomic context (GRCh38, chr11:2,663,066, plus strand): 5'-CTGAGGAAATCGGGACCCATGGTGCTGGGGGCTGCAGGTGTAACCAGAGAACTGGCAGGG[T>TTGGTTCTC]TGGGTAGCCAGAATGAGGCCACCTCCAGGGAAGGAGTGGCTATCTTAAGGGGTAATTATG-3'

ClinVar aggregate classification (germline): Benign (1 of 4 stars; one submission).

Submission:

CeGaT Center for Human Genetics Tuebingen
Classification: Benign. Last evaluated: 2026-09-01. Review status: criteria provided, single submitter. Criteria: CeGaT Center For Human Genetics Tuebingen Variant Classification Criteria Version 2. Collection method: clinical testing. Allele origin: germline. Affected: yes. Observed: 17 variant alleles.
Comment: KCNQ1OT1: BS1, BS2